The following is an entry in ClinVar:

ClinVar aggregate classification (germline): Uncertain significance (1 of 4 stars; one submission).

Submission:

GeneDx
Classification: Uncertain significance. Last evaluated: 2024-11-05. Review status: criteria provided, single submitter. Criteria: GeneDx Variant Classification Process June 2021. Collection method: clinical testing. Allele origin: germline. Affected: yes.
Comment: Not observed at significant frequency in large population cohorts (gnomAD); In silico analysis supports that this missense variant has a deleterious effect on protein structure/function; Has not been previously published as pathogenic or benign to our knowledge

NM_020928.2(ZSWIM6):c.1108G>A (p.Glu370Lys)

Gene: ZSWIM6 (zinc finger SWIM-type containing 6; plus strand). Cytogenetic location: 5q12.1.
Variant type: single nucleotide variant.
Coding change: c.1108G>A on transcript NM_020928.2 (MANE Select); coding-DNA position 1108, G replaced by A.
Protein change: p.Glu370Lys; replaces glutamic acid 370 with lysine.
Molecular consequence: missense variant.
Genome position (GRCh38, 1-based): chr5:61,490,860, G>A. VCF-style: chr5-61490860-G-A. GRCh37 (hg19) VCF-style: chr5-60786687-G-A.
Other names: short protein forms E370K.
Identifiers: ClinVar variation 3897162 (VCV003897162.1).
Genomic context (GRCh38, chr5:61,490,860, plus strand): 5'-ACAGCAGGTGCTAGTATAGATGATGAAAACTGCTGGCACTTAGATGAAGAGCAGGTTCAA[G>A]AACAGGTTAAACTGTTCCTTTCCCAGGGCGGGTACCACGGATCAGGGAAGCAGCTTAATT-3'
Protein context (NP_065979.1, residues 360-380): CWHLDEEQVQ[Glu370Lys]QVKLFLSQGG